The following is an entry in ClinVar:

NM_002103.5(GYS1):c.1156C>T (p.Arg386Cys)

Gene: GYS1 (glycogen synthase 1; minus strand). Cytogenetic location: 19q13.33.
Variant type: single nucleotide variant.
Coding change: c.1156C>T on transcript NM_002103.5 (MANE Select); coding-DNA position 1156, C replaced by T.
Protein change: p.Arg386Cys; replaces arginine 386 with cysteine.
Molecular consequence: missense variant. On other transcripts: non-coding transcript variant (1).
Genome position (GRCh38, 1-based): chr19:48,981,543, G>A on the plus strand (C>T on the coding strand, the complement: GYS1 is on the minus strand). VCF-style: chr19-48981543-G-A. GRCh37 (hg19) VCF-style: chr19-49484800-G-A.
Other names: c.964C>T, p.Arg322Cys (NM_001161587.2); short protein forms R322C, R386C.
Identifiers: ClinVar variation 893350 (VCV000893350.8), dbSNP rs868354195, ClinGen allele CA309395092.

ClinVar aggregate classification (germline): Uncertain significance. Review status: criteria provided, multiple submitters, no conflicts (2 of 4 stars). 2 submissions from 2 submitters: Uncertain significance (2). Last evaluated 2022-07-03.

Conditions:
Glycogen storage disease due to muscle and heart glycogen synthase deficiency. Also called: GSD 0b; MUSCLE GLYCOGEN SYNTHASE DEFICIENCY. Identifiers: Orphanet 137625, MedGen C1969054, MONDO:0012693, OMIM 611556.

Allele frequency attached by ClinVar (database versions not stated): gnomAD exomes below 0.00001.
gnomAD v4.1: 3 of 1,602,224 alleles (0.00019%); highest among the groups gnomAD compares: South Asian, 0.0011%; no homozygotes.

Submissions (2):

Labcorp Genetics (formerly Invitae), Labcorp
Classification: Uncertain significance for Glycogen storage disease due to muscle and heart glycogen synthase deficiency. Last evaluated: 2022-07-03. Review status: criteria provided, single submitter. Criteria: Invitae Variant Classification Sherloc (09022015). Collection method: clinical testing. Allele origin: germline.
Comment: Algorithms developed to predict the effect of sequence changes on RNA splicing suggest that this variant may disrupt the consensus splice site. In summary, the available evidence is currently insufficient to determine the role of this variant in disease. Therefore, it has been classified as a Variant of Uncertain Significance. Algorithms developed to predict the effect of missense changes on protein structure and function are either unavailable or do not agree on the potential impact of this missense change (SIFT: "Tolerated"; PolyPhen-2: "Probably Damaging"; Align-GVGD: "Class C0"). ClinVar contains an entry for this variant (Variation ID: 893350). This variant has not been reported in the literature in individuals affected with GYS1-related conditions. This variant is not present in population databases (gnomAD no frequency). This sequence change replaces arginine, which is basic and polar, with cysteine, which is neutral and slightly polar, at codon 386 of the GYS1 protein (p.Arg386Cys).

Illumina Laboratory Services, Illumina
Classification: Uncertain significance for Glycogen storage disease due to muscle and heart glycogen synthase deficiency. Last evaluated: 2018-01-13. Review status: criteria provided, single submitter. Criteria: ICSL Variant Classification Criteria 13 December 2019. Collection method: clinical testing. Allele origin: germline.